The following is an entry in ClinVar:

ClinVar aggregate classification (germline): Uncertain significance. Review status: criteria provided, multiple submitters, no conflicts (2 of 4 stars). 3 submissions from 3 submitters: Uncertain significance (3). Last evaluated 2024-06-25.

Conditions:
Familial thoracic aortic aneurysm and aortic dissection (TAAD). Also called: Thoracic aortic aneurysms and dissections. Identifiers: Orphanet 91387, MedGen C4707243, MONDO:0019625.
Marfan syndrome (MFS). Also called: FBN1-Related Marfan Syndrome; Marfan syndrome type 1; Marfan's syndrome; Marfan syndrome, classic; MARFAN SYNDROME, TYPE I. Identifiers: Orphanet 284963, Orphanet 558, MedGen C0024796, MONDO:0007947, OMIM 154700.

Allele frequency attached by ClinVar (database versions not stated): gnomAD 0.00001; TOPMed 0.00001; gnomAD exomes below 0.00001.
gnomAD v4.1: 1 of 1,614,030 alleles (0.000062%); highest among the groups gnomAD compares: African/African-American, 0.0013%; no homozygotes.

Submissions (3):

Ambry Genetics
Classification: Uncertain significance for Familial thoracic aortic aneurysm and aortic dissection. Last evaluated: 2024-06-25. Review status: criteria provided, single submitter. Criteria: Ambry Variant Classification Scheme 2023. Collection method: clinical testing. Allele origin: germline.
Comment: The p.N2495S variant (also known as c.7484A>G), located in coding exon 60 of the FBN1 gene, results from an A to G substitution at nucleotide position 7484. The asparagine at codon 2495 is replaced by serine, an amino acid with highly similar properties. This amino acid position is highly conserved in available vertebrate species. In addition, the in silico prediction for this alteration is inconclusive. Based on the available evidence, the clinical significance of this variant remains unclear.

All of Us Research Program, National Institutes of Health
Classification: Uncertain significance for Marfan syndrome. Last evaluated: 2023-11-20. Review status: criteria provided, single submitter. Criteria: ACMG Guidelines, 2015. Collection method: clinical testing. Allele origin: germline. Inheritance: Autosomal dominant inheritance. Observed: 1 variant allele, 1 heterozygote.
Comment: This missense variant replaces asparagine with serine at codon 2495 of the FBN1 protein. Computational prediction is inconclusive regarding the impact of this variant on protein structure and function (internally defined REVEL score threshold 0.5 < inconclusive < 0.7, PMID: 27666373). To our knowledge, functional studies have not been reported for this variant. This variant has not been reported in individuals affected with FBN1-related disorders in the literature. This variant has been identified in 1/251164 chromosomes in the general population by the Genome Aggregation Database (gnomAD). The available evidence is insufficient to determine the role of this variant in disease conclusively. Therefore, this variant is classified as a Variant of Uncertain Significance.

This study involves interpretation of variants in research participants for the purpose of population health screening. Participant phenotype was not available at the time of variant classification. Additional details can be found in publication PMID: 35346344, PMCID: PMC8962531

Women's Health and Genetics/Laboratory Corporation of America, LabCorp
Classification: Uncertain significance. Last evaluated: 2017-11-20. Review status: criteria provided, single submitter. Criteria: LabCorp Variant Classification Summary - May 2015. Collection method: clinical testing. Allele origin: germline.
Comment: Variant summary: The FBN1 c.7484A>G (p.Asn2495Ser) variant involves the alteration of a conserved nucleotide. 2/4 in silico tools predict a benign outcome for this variant (SNPsandGO not captured due to low reliability index). This variant was found in 1/245914 control chromosomes at a frequency of 0.0000041, which does not exceed the estimated maximal expected allele frequency of a pathogenic FBN1 variant (0.0001125). The variant of interest has not, to our knowledge, been reported in affected individuals via publications and/or reputable databases/clinical diagnostic laboratories; nor evaluated for functional impact by in vivo/vitro studies. Because of the absence of clinical information and the lack of functional studies, the variant is classified as a variant of uncertain significance (VUS) until additional information becomes available.

NM_000138.5(FBN1):c.7484A>G (p.Asn2495Ser)

Gene: FBN1 (fibrillin 1; minus strand). Cytogenetic location: 15q21.1.
Variant type: single nucleotide variant.
Coding change: c.7484A>G on transcript NM_000138.5 (MANE Select); coding-DNA position 7484, A replaced by G.
Protein change: p.Asn2495Ser; replaces asparagine 2495 with serine.
Molecular consequence: missense variant.
Genome position (GRCh38, 1-based): chr15:48,422,038, T>C on the plus strand (A>G on the coding strand, the complement: FBN1 is on the minus strand). VCF-style: chr15-48422038-T-C. GRCh37 (hg19) VCF-style: chr15-48714235-T-C.
Other names: short protein forms N2495S.
Identifiers: ClinVar variation 632816 (VCV000632816.3), dbSNP rs1252037822, ClinGen allele CA392326074.
Genomic context (GRCh38, chr15:48,422,038, plus strand): 5'-AATCCGGGAGGACATTTGCATGTGAAGCCGCCAATGGTGTTAACACATAGGAACTGGCAG[T>C]TGTGTTGCTTGGTTGCACACTCATCAAGATCTACAAGAAAATGCAAGAGAGGCATTTGAG-3'
Protein context (NP_000129.3, residues 2485-2505): DLDECATKQH[Asn2495Ser]CQFLCVNTIG